The following is an entry in ClinVar:

ClinVar aggregate classification (germline): Pathogenic (1 of 4 stars; one submission).

Conditions:
Glutaric aciduria, type 1. Also called: Glutaric Acidemia Type 1; Glutaryl-CoA dehydrogenase deficiency; GA I; Glutaricaciduria, type I; Glutaric acidemia type I; Glutaricacidemia Type 1. Identifiers: Orphanet 25, MedGen C0268595, MONDO:0009281, OMIM 231670.

Submission:

Labcorp Genetics (formerly Invitae), Labcorp
Classification: Pathogenic for Glutaric aciduria, type 1. Last evaluated: 2025-03-27. Review status: criteria provided, single submitter. Criteria: Invitae Variant Classification Sherloc (09022015). Collection method: clinical testing. Allele origin: germline.
Comment: This sequence change creates a premature translational stop signal (p.Tyr315*) in the GCDH gene. It is expected to result in an absent or disrupted protein product. Loss-of-function variants in GCDH are known to be pathogenic (PMID: 10699052, 11854167, 16602100). This variant is not present in population databases (gnomAD no frequency). This variant has not been reported in the literature in individuals affected with GCDH-related conditions. For these reasons, this variant has been classified as Pathogenic.

Literature cited by the submitters: PubMed 10699052; PubMed 11854167; PubMed 16602100.

NM_000159.4(GCDH):c.945C>A (p.Tyr315Ter)

Gene: GCDH (glutaryl-CoA dehydrogenase; plus strand). Cytogenetic location: 19p13.13.
Variant type: single nucleotide variant.
Coding change: c.945C>A on transcript NM_000159.4 (MANE Select); coding-DNA position 945, C replaced by A.
Protein change: p.Tyr315Ter; replaces tyrosine 315 with a stop codon.
Molecular consequence: nonsense. On other transcripts: non-coding transcript variant (2).
Genome position (GRCh38, 1-based): chr19:12,897,002, C>A. VCF-style: chr19-12897002-C-A. GRCh37 (hg19) VCF-style: chr19-13007816-C-A.
Other names: c.945C>A, p.Tyr315Ter (NM_013976.5); short protein forms Y315*.
Identifiers: ClinVar variation 4716147 (VCV004716147.1).